The following is an entry in ClinVar:

ClinVar aggregate classification (germline): Uncertain significance (1 of 4 stars; one submission).

gnomAD v4.1: 1 of 1,609,520 alleles (0.000062%); highest among the groups gnomAD compares: African/African-American, 0.0013%; no homozygotes.

Submission:

Labcorp Genetics (formerly Invitae), Labcorp
Classification: Uncertain significance. Last evaluated: 2023-08-07. Review status: criteria provided, single submitter. Criteria: Invitae Variant Classification Sherloc (09022015). Collection method: clinical testing. Allele origin: germline.
Comment: This sequence change replaces glycine, which is neutral and non-polar, with serine, which is neutral and polar, at codon 208 of the COL9A3 protein (p.Gly208Ser). This variant is not present in population databases (gnomAD no frequency). This variant has not been reported in the literature in individuals affected with COL9A3-related conditions. Advanced modeling of protein sequence and biophysical properties (such as structural, functional, and spatial information, amino acid conservation, physicochemical variation, residue mobility, and thermodynamic stability) performed at Invitae indicates that this missense variant is expected to disrupt COL9A3 protein function. In summary, the available evidence is currently insufficient to determine the role of this variant in disease. Therefore, it has been classified as a Variant of Uncertain Significance.

NM_001853.4(COL9A3):c.622G>A (p.Gly208Ser)

Gene: COL9A3 (collagen type IX alpha 3 chain; plus strand). Cytogenetic location: 20q13.33.
Variant type: single nucleotide variant.
Coding change: c.622G>A on transcript NM_001853.4 (MANE Select); coding-DNA position 622, G replaced by A.
Protein change: p.Gly208Ser; replaces glycine 208 with serine.
Molecular consequence: missense variant.
Genome position (GRCh38, 1-based): chr20:62,825,013, G>A. VCF-style: chr20-62825013-G-A. GRCh37 (hg19) VCF-style: chr20-61456365-G-A.
Other names: short protein forms G208S.
Identifiers: ClinVar variation 2996210 (VCV002996210.3), dbSNP rs1226714995, ClinGen allele CA409590945.
Genomic context (GRCh38, chr20:62,825,013, plus strand): 5'-CACATTTGCTTGCAGGGACCCACTGGCTACAAAGGCGAGCAGGGGGAAGTCGGCAAGGAC[G>A]GCGAGAAGGTGAAGCTGCCGCACAGCAGCTGGGGAGGAGCTGGGGACTGGAGGCTGGGCT-3'
Protein context (NP_001844.3, residues 198-218): KGEQGEVGKD[Gly208Ser]EKGDPGPPGP